The following is an entry in ClinVar:

ClinVar aggregate classification (germline): Uncertain significance (1 of 4 stars; one submission).

Allele frequency attached by ClinVar (database versions not stated): gnomAD exomes below 0.00001.
gnomAD v4.1: 1 of 1,612,868 alleles (0.000062%); no homozygotes.

Submission:

Labcorp Genetics (formerly Invitae), Labcorp
Classification: Uncertain significance. Last evaluated: 2023-11-15. Review status: criteria provided, single submitter. Criteria: Invitae Variant Classification Sherloc (09022015). Collection method: clinical testing. Allele origin: germline.
Comment: This sequence change replaces alanine, which is neutral and non-polar, with threonine, which is neutral and polar, at codon 75 of the RAB11B protein (p.Ala75Thr). This variant is not present in population databases (gnomAD no frequency). This missense change has been observed in individual(s) with congenital hydrocephalus (PMID: 33077954). An algorithm developed to predict the effect of missense changes on protein structure and function (PolyPhen-2) suggests that this variant is likely to be disruptive. In summary, the available evidence is currently insufficient to determine the role of this variant in disease. Therefore, it has been classified as a Variant of Uncertain Significance.

Literature cited by the submitters: PubMed 33077954.

NM_004218.4(RAB11B):c.223G>A (p.Ala75Thr)

Gene: RAB11B (RAB11B, member RAS oncogene family; plus strand). Cytogenetic location: 19p13.2.
Variant type: single nucleotide variant.
Coding change: c.223G>A on transcript NM_004218.4 (MANE Select); coding-DNA position 223, G replaced by A.
Protein change: p.Ala75Thr; replaces alanine 75 with threonine.
Molecular consequence: missense variant.
Genome position (GRCh38, 1-based): chr19:8,400,045, G>A. VCF-style: chr19-8400045-G-A. GRCh37 (hg19) VCF-style: chr19-8464929-G-A.
Other names: short protein forms A75T.
Identifiers: ClinVar variation 2780426 (VCV002780426.3), dbSNP rs2512745316, ClinGen allele CA403711337.